The following is an entry in ClinVar:

ClinVar aggregate classification (germline): Uncertain significance. Review status: criteria provided, multiple submitters, no conflicts (2 of 4 stars). 4 submissions from 4 submitters: Uncertain significance (4). Last evaluated 2026-06-22.

Conditions:
BBS9-related disorder. Also called: BBS9-related condition.
Inborn genetic diseases. Identifiers: MedGen C0950123, MeSH D030342.
Bardet-Biedl syndrome (BBS). Identifiers: Orphanet 110, MedGen C0752166, MONDO:0015229.
Bardet-Biedl syndrome 9 (BBS9). Identifiers: Orphanet 110, MedGen C1859567, MONDO:0014437, OMIM 615986.

Allele frequency attached by ClinVar (database versions not stated): ExAC 0.00003; gnomAD exomes 0.00005 and 0.00002; TOPMed 0.00008; gnomAD 0.00010 and 0.00011; ESP Exome Variant Server 0.00023.
gnomAD v4.1: 43 of 1,613,186 alleles (0.0027%); highest among the groups gnomAD compares: African/African-American, 0.04%; no homozygotes.

Submissions (4):

PreventionGenetics, part of Exact Sciences
Classification: Uncertain significance for BBS9-related condition. Last evaluated: 2026-06-22. Review status: criteria provided, single submitter. Criteria: ACMG Guidelines, 2015. Collection method: clinical testing. Allele origin: germline.
Comment: The BBS9 c.1487C>T variant is predicted to result in the amino acid substitution p.Thr496Ile. To our knowledge, this variant has not been reported in the literature. This variant is reported in 0.028% of alleles in individuals of African descent in gnomAD. At this time, the clinical significance of this variant is uncertain due to the absence of conclusive functional and genetic evidence.

Labcorp Genetics (formerly Invitae), Labcorp
Classification: Uncertain significance for Bardet-Biedl syndrome. Last evaluated: 2026-01-26. Review status: criteria provided, single submitter. Criteria: Invitae Variant Classification Sherloc (09022015). Collection method: clinical testing. Allele origin: germline.
Comment: This sequence change replaces threonine, which is neutral and polar, with isoleucine, which is neutral and non-polar, at codon 496 of the BBS9 protein (p.Thr496Ile). This variant is present in population databases (rs139303948, gnomAD 0.03%). This variant has not been reported in the literature in individuals affected with BBS9-related conditions. ClinVar contains an entry for this variant (Variation ID: 220123). Invitae Evidence Modeling of protein sequence and biophysical properties (such as structural, functional, and spatial information, amino acid conservation, physicochemical variation, residue mobility, and thermodynamic stability) indicates that this missense variant is not expected to disrupt BBS9 protein function with a negative predictive value of 80%. In summary, the available evidence is currently insufficient to determine the role of this variant in disease. Therefore, it has been classified as a Variant of Uncertain Significance.

Ambry Genetics
Classification: Uncertain significance for Inborn genetic diseases. Last evaluated: 2024-11-13. Review status: criteria provided, single submitter. Criteria: Ambry Variant Classification Scheme 2023. Collection method: clinical testing. Allele origin: germline.

Fulgent Genetics
Classification: Uncertain significance for Bardet-Biedl syndrome 9. Last evaluated: 2022-02-19. Review status: criteria provided, single submitter. Criteria: ACMG Guidelines, 2015. Collection method: clinical testing. Allele origin: unknown.

NM_198428.3(BBS9):c.1487C>T (p.Thr496Ile)

Gene: BBS9 (Bardet-Biedl syndrome 9; plus strand). Cytogenetic location: 7p14.3.
Variant type: single nucleotide variant.
Coding change: c.1487C>T on transcript NM_198428.3 (MANE Select); coding-DNA position 1487, C replaced by T.
Protein change: p.Thr496Ile; replaces threonine 496 with isoleucine.
Molecular consequence: missense variant. On other transcripts: non-coding transcript variant (3), intron variant (5).
Genome position (GRCh38, 1-based): chr7:33,351,273, C>T. VCF-style: chr7-33351273-C-T. GRCh37 (hg19) VCF-style: chr7-33390885-C-T.
Other names: c.1487C>T, p.Thr496Ile (NM_001033605.2, NM_001348036.1, NM_001348041.4 and 2 more transcripts); c.1121C>T, p.Thr374Ile (NM_001348037.3, NM_001348045.3, NM_001348046.3); c.1214C>T, p.Thr405Ile (NM_001348038.3); c.1352C>T, p.Thr451Ile (NM_001348042.3); c.1160-1586C>T (NM_001348039.3); c.1433-1586C>T (NM_001033604.2); c.1432+2103C>T (NM_014451.4, NM_001348040.3); c.1067-1586C>T (NM_001348044.3); short protein forms T496I, T451I, T374I, T405I.
Identifiers: ClinVar variation 220123 (VCV000220123.12), dbSNP rs139303948, ClinGen allele CA348733.